The following is an entry in ClinVar:

ClinVar aggregate classification (germline): Uncertain significance (1 of 4 stars; one submission).

gnomAD v4.1: 1 of 1,614,092 alleles (0.000062%); no homozygotes.

Submission:

Women's Health and Genetics/Laboratory Corporation of America, LabCorp
Classification: Uncertain significance. Last evaluated: 2025-10-07. Review status: criteria provided, single submitter. Criteria: LabCorp Variant Classification Summary - May 2015. Collection method: clinical testing. Allele origin: germline.
Comment: Variant summary: TNC c.2876C>G (p.Thr959Ser) results in a conservative amino acid change in the encoded protein sequence. Algorithms developed to predict the effect of missense changes on protein structure and function are either unavailable or do not agree on the potential impact of this missense change. The variant was absent in 251444 control chromosomes. The available data on variant occurrences in the general population are insufficient to allow any conclusion about variant significance. To our knowledge, no occurrence of c.2876C>G in individuals affected with TNC-related conditions and no experimental evidence demonstrating its impact on protein function have been reported. No submitters have cited clinical-significance assessments for this variant to ClinVar. Based on the evidence outlined above, the variant was classified as uncertain significance.

NM_002160.4(TNC):c.2876C>G (p.Thr959Ser)

Gene: TNC (tenascin C; minus strand). Cytogenetic location: 9q33.1.
Variant type: single nucleotide variant.
Coding change: c.2876C>G on transcript NM_002160.4 (MANE Select); coding-DNA position 2876, C replaced by G.
Protein change: p.Thr959Ser; replaces threonine 959 with serine.
Molecular consequence: missense variant.
Genome position (GRCh38, 1-based): chr9:115,076,106, G>C on the plus strand (C>G on the coding strand, the complement: TNC is on the minus strand). VCF-style: chr9-115076106-G-C. GRCh37 (hg19) VCF-style: chr9-117838385-G-C.
Other names: c.2876C>G, p.Thr959Ser (NM_001439075.1, NM_001439076.1, NM_001439077.1 and 35 more transcripts); short protein forms T959S.
Identifiers: ClinVar variation 4687491 (VCV004687491.1).